The following is an entry in ClinVar:

NM_001278689.2(EOGT):c.563A>T (p.Lys188Ile)

Gene: EOGT (EGF domain specific O-linked N-acetylglucosamine transferase; minus strand). Cytogenetic location: 3p14.1.
Variant type: single nucleotide variant.
Coding change: c.563A>T on transcript NM_001278689.2 (MANE Select); coding-DNA position 563, A replaced by T.
Protein change: p.Lys188Ile; replaces lysine 188 with isoleucine.
Molecular consequence: missense variant. On other transcripts: non-coding transcript variant (1).
Genome position (GRCh38, 1-based): chr3:69,004,435, T>A on the plus strand (A>T on the coding strand, the complement: EOGT is on the minus strand). VCF-style: chr3-69004435-T-A. GRCh37 (hg19) VCF-style: chr3-69053586-T-A.
Other names: c.563A>T, p.Lys188Ile (NM_173654.3); short protein forms K188I.
Identifiers: ClinVar variation 445295 (VCV000445295.10), dbSNP rs116138787, ClinGen allele CA2486880.
Genomic context (GRCh38, chr3:69,004,435, plus strand): 5'-TACCATGACTGCAGAGGGCTTTTGCGCTGACCTTCAGACGTCAATGTACGGATGTCAAGT[T>A]TACAGTGCCCTCCAATTTCACCACTCTGGAAAAAGTCCTCCTTAAATCTGGTATATAACA-3'
Protein context (NP_001265618.1, residues 178-198): FQSGEIGGHC[Lys188Ile]LDIRTLTSEG

ClinVar aggregate classification (germline): Likely benign. Review status: criteria provided, multiple submitters, no conflicts (2 of 4 stars). 3 submissions from 3 submitters: Likely benign (3). Last evaluated 2024-06-18.

Allele frequency attached by ClinVar (database versions not stated): gnomAD exomes 0.00097 and 0.00230; ExAC 0.00273; 1000 Genomes Project 0.00759; ESP Exome Variant Server 0.00761; gnomAD 0.00844 and 0.00908; 1000 Genomes Project 30x 0.00890; TOPMed 0.00955.
gnomAD v4.1: 2,720 of 1,614,114 alleles (0.17%); highest among the groups gnomAD compares: African/African-American, 2.9%; 40 homozygotes.

Submissions (3):

GeneDx
Classification: Likely benign. Last evaluated: 2024-06-18. Review status: criteria provided, single submitter. Criteria: GeneDx Variant Classification Process June 2021. Collection method: clinical testing. Allele origin: germline. Affected: yes.
Comment: See Variant Classification Assertion Criteria.

Center for Pediatric Genomic Medicine, Children's Mercy Hospital and Clinics
Classification: Likely benign. Last evaluated: 2017-04-27. Review status: criteria provided, single submitter. Criteria: ACMG Guidelines, 2015. Collection method: clinical testing. Allele origin: germline.

Breakthrough Genomics
Classification: Likely benign. Review status: criteria provided, single submitter. Criteria: ACMG Guidelines, 2015. Collection method: not provided. Allele origin: germline. Inheritance: Autosomal recessive inheritance. Affected: yes.